The following is an entry in ClinVar:

NM_001198.4(PRDM1):c.1222G>C (p.Ala408Pro)

Gene: PRDM1 (PR/SET domain 1; plus strand). Cytogenetic location: 6q21.
Variant type: single nucleotide variant.
Coding change: c.1222G>C on transcript NM_001198.4 (MANE Select); coding-DNA position 1222, G replaced by C.
Protein change: p.Ala408Pro; replaces alanine 408 with proline.
Molecular consequence: missense variant.
Genome position (GRCh38, 1-based): chr6:106,105,382, G>C. VCF-style: chr6-106105382-G-C. GRCh37 (hg19) VCF-style: chr6-106553257-G-C.
Other names: c.820G>C, p.Ala274Pro (NM_182907.3); short protein forms A408P, A274P.
Identifiers: ClinVar variation 135087 (VCV000135087.1), dbSNP rs144524449, ClinGen allele CA161640.

ClinVar aggregate classification (germline): not provided (0 of 4 stars; one submission).

Allele frequency attached by ClinVar (database versions not stated): TOPMed 0.00064; 1000 Genomes Project 30x 0.00016; ESP Exome Variant Server 0.00054; gnomAD 0.00054.
gnomAD v4.1: 894 of 1,613,926 alleles (0.055%); highest among the groups gnomAD compares: Middle Eastern, 0.58%; 3 homozygotes.

Submission:

ITMI
No classification provided. Condition: AllHighlyPenetrant. Last evaluated: 2013-09-19. Review status: no classification provided. Collection method: reference population. Allele origin: germline.
Comment: Please see associated publication for description of ethnicities

Literature cited by the submitters: PubMed 24728327.